The following is an entry in ClinVar:

NM_005422.4(TECTA):c.3098G>A (p.Arg1033Gln)

Genes: TBCEL-TECTA (TBCEL-TECTA readthrough; plus strand), TECTA (tectorin alpha; plus strand). Cytogenetic location: 11q23.3.
Variant type: single nucleotide variant.
Coding change: c.3098G>A on transcript NM_005422.4 (MANE Select); coding-DNA position 3098, G replaced by A.
Protein change: p.Arg1033Gln; replaces arginine 1033 with glutamine.
Molecular consequence: missense variant.
Genome position (GRCh38, 1-based): chr11:121,137,577, G>A. VCF-style: chr11-121137577-G-A. GRCh37 (hg19) VCF-style: chr11-121008286-G-A.
Other names: c.4055G>A, p.Arg1352Gln (NM_001378761.1); short protein forms R1033Q, R1352Q.
Identifiers: ClinVar variation 1195339 (VCV001195339.5), dbSNP rs531370547, ClinGen allele CA6327153.
Genomic context (GRCh38, chr11:121,137,577, plus strand): 5'-GCTCTGAGGGATGTCAGTGTGATGAGGGCTATGCTCTACTGGGCAGCCAGTGTGTCACGC[G>A]GAGTGAGTGTGGCTGCAACTTTGAGGGGCACCAACTTGCCACCAATGAGACCTTCTGGGT-3'
Protein context (NP_005413.2, residues 1023-1043): YALLGSQCVT[Arg1033Gln]SECGCNFEGH

ClinVar aggregate classification (germline): Uncertain significance (1 of 4 stars; one submission).

Allele frequency attached by ClinVar (database versions not stated): ExAC 0.00002; gnomAD 0.00003 and 0.00005; gnomAD exomes 0.00003 and 0.00004; TOPMed 0.00005.
gnomAD v4.1: 58 of 1,613,934 alleles (0.0036%); highest among the groups gnomAD compares: Middle Eastern, 0.016%; no homozygotes.

Submission:

GeneDx
Classification: Uncertain significance. Last evaluated: 2023-03-24. Review status: criteria provided, single submitter. Criteria: GeneDx Variant Classification Process June 2021. Collection method: clinical testing. Allele origin: germline. Affected: yes.
Comment: In silico analysis supports that this missense variant does not alter protein structure/function; This variant is associated with the following publications: (PMID: 28946916)